The following is an entry in ClinVar:

ClinVar aggregate classification (germline): Uncertain significance (1 of 4 stars; one submission).

gnomAD v4.1: 12 of 1,586,802 alleles (0.00076%); highest among the groups gnomAD compares: South Asian, 0.01%; no homozygotes.

Submission:

Labcorp Genetics (formerly Invitae), Labcorp
Classification: Uncertain significance. Last evaluated: 2024-05-10. Review status: criteria provided, single submitter. Criteria: Invitae Variant Classification Sherloc (09022015). Collection method: clinical testing. Allele origin: germline.
Comment: This sequence change replaces glutamic acid, which is acidic and polar, with lysine, which is basic and polar, at codon 887 of the PITPNM3 protein (p.Glu887Lys). This variant is present in population databases (no rsID available, gnomAD 0.003%). This variant has not been reported in the literature in individuals affected with PITPNM3-related conditions. Advanced modeling of protein sequence and biophysical properties (such as structural, functional, and spatial information, amino acid conservation, physicochemical variation, residue mobility, and thermodynamic stability) performed at Invitae indicates that this missense variant is not expected to disrupt PITPNM3 protein function with a negative predictive value of 80%. In summary, the available evidence is currently insufficient to determine the role of this variant in disease. Therefore, it has been classified as a Variant of Uncertain Significance.

NM_031220.4(PITPNM3):c.2659G>A (p.Glu887Lys)

Gene: PITPNM3 (PITPNM family member 3; minus strand). Cytogenetic location: 17p13.2.
Variant type: single nucleotide variant.
Coding change: c.2659G>A on transcript NM_031220.4 (MANE Select); coding-DNA position 2659, G replaced by A.
Protein change: p.Glu887Lys; replaces glutamic acid 887 with lysine.
Molecular consequence: missense variant.
Genome position (GRCh38, 1-based): chr17:6,455,604, C>T on the plus strand (G>A on the coding strand, the complement: PITPNM3 is on the minus strand). VCF-style: chr17-6455604-C-T. GRCh37 (hg19) VCF-style: chr17-6358924-C-T.
Other names: c.2551G>A, p.Glu851Lys (NM_001165966.2); short protein forms E851K, E887K.
Identifiers: ClinVar variation 3629446 (VCV003629446.2).
Genomic context (GRCh38, chr17:6,455,604, plus strand): 5'-TGCCCTTGCGCAGGATCATGCGCGAGTTGTTCTTCTTTGGGCGTGAGCGGTGGCTGGCCT[C>T]CAGCGCGGCCAGGTGTGCGGCGTAGCCCTCGCTCAGGAACTGCGGAGGGCAGGGGAGGGC-3'
Protein context (NP_112497.2, residues 877-897): EGYAAHLAAL[Glu887Lys]ASHRSRPKKN